The following is an entry in ClinVar:

NM_020822.3(KCNT1):c.943G>A (p.Val315Met)

Gene: KCNT1 (potassium sodium-activated channel subfamily T member 1; plus strand). Cytogenetic location: 9q34.3.
Variant type: single nucleotide variant.
Coding change: c.943G>A on transcript NM_020822.3 (MANE Select); coding-DNA position 943, G replaced by A.
Protein change: p.Val315Met; replaces valine 315 with methionine.
Molecular consequence: missense variant.
Genome position (GRCh38, 1-based): chr9:135,759,767, G>A. VCF-style: chr9-135759767-G-A. GRCh37 (hg19) VCF-style: chr9-138651613-G-A.
Other names: c.808G>A, p.Val270Met (NM_001272003.2); short protein forms V270M, V315M.
Identifiers: ClinVar variation 2943562 (VCV002943562.3), dbSNP rs773941339, ClinGen allele CA5326710.
Genomic context (GRCh38, chr9:135,759,767, plus strand): 5'-GCGGGCGAGAACCTGTCCCTCCTGACCTCCTTCTACTTCTGCATCGTCACCTTCTCCACC[G>A]TGGGCTACGGTGACGTCACGCCCAAGATCTGGCCATCGCAGCTGCTGGTGGTCATCATGA-3'
Protein context (NP_065873.2, residues 305-325): FYFCIVTFST[Val315Met]GYGDVTPKIW

ClinVar aggregate classification (germline): Uncertain significance (1 of 4 stars; one submission).

Conditions:
Autosomal dominant nocturnal frontal lobe epilepsy 5. Also called: Epilepsy, nocturnal frontal lobe, 5; CILIARY DYSKINESIA, PRIMARY, 28, WITHOUT SITUS INVERSUS; CILIARY DYSKINESIA, PRIMARY, 28, WITH SITUS INVERSUS; KCNT1-Related Epilepsy. Identifiers: Orphanet 98784, MedGen C3554306, MONDO:0014002, OMIM 615005.
Developmental and epileptic encephalopathy, 14 (DEE14). Also called: Early infantile epileptic encephalopathy 14. Identifiers: Orphanet 293181, MedGen C3554195, MONDO:0013989, OMIM 614959.

Allele frequency attached by ClinVar (database versions not stated): ExAC 0.00001; gnomAD 0.00001; gnomAD exomes 0.00001; TOPMed 0.00001.

Submission:

Labcorp Genetics (formerly Invitae), Labcorp
Classification: Uncertain significance for Autosomal dominant nocturnal frontal lobe epilepsy 5; Developmental and epileptic encephalopathy, 14. Last evaluated: 2023-10-13. Review status: criteria provided, single submitter. Criteria: Invitae Variant Classification Sherloc (09022015). Collection method: clinical testing. Allele origin: germline.
Comment: This sequence change replaces valine, which is neutral and non-polar, with methionine, which is neutral and non-polar, at codon 315 of the KCNT1 protein (p.Val315Met). This variant is present in population databases (rs773941339, gnomAD 0.004%). This variant has not been reported in the literature in individuals affected with KCNT1-related conditions. Advanced modeling of protein sequence and biophysical properties (such as structural, functional, and spatial information, amino acid conservation, physicochemical variation, residue mobility, and thermodynamic stability) performed at Invitae indicates that this missense variant is expected to disrupt KCNT1 protein function. In summary, the available evidence is currently insufficient to determine the role of this variant in disease. Therefore, it has been classified as a Variant of Uncertain Significance.